The following is an entry in ClinVar:

NM_000310.4(PPT1):c.364A>T (p.Arg122Trp)

Gene: PPT1 (palmitoyl-protein thioesterase 1; minus strand). Cytogenetic location: 1p34.2.
Variant type: single nucleotide variant.
Coding change: c.364A>T on transcript NM_000310.4 (MANE Select); coding-DNA position 364, A replaced by T.
Protein change: p.Arg122Trp; replaces arginine 122 with tryptophan.
Molecular consequence: missense variant. On other transcripts: intron variant (1).
Genome position (GRCh38, 1-based): chr1:40,091,398, T>A on the plus strand (A>T on the coding strand, the complement: PPT1 is on the minus strand). VCF-style: chr1-40091398-T-A. GRCh37 (hg19) VCF-style: chr1-40557070-T-A.
Other names: p.R122W:AGG>TGG; c.364A>T, p.Arg122Trp (NM_001363695.2); c.125-1886A>T (NM_001142604.2); short protein forms R122W.
Identifiers: ClinVar variation 8899 (VCV000008899.37), dbSNP rs137852695, ClinGen allele CA316952.

ClinVar aggregate classification (germline): Pathogenic. Review status: criteria provided, multiple submitters, no conflicts (2 of 4 stars). 17 submissions from 17 submitters: Pathogenic (13). 4 of the submissions do not count toward it. Last evaluated 2025-12-18.

Conditions:
Neuronal ceroid lipofuscinosis. Also called: Neuronal Ceroid Lipofuscinoses. Identifiers: Orphanet 216, Orphanet 79263, MedGen C0027877, MONDO:0016295. Disease mechanism: loss of function.
Inborn genetic diseases. Identifiers: MedGen C0950123, MeSH D030342.
Neuronal ceroid lipofuscinosis 1 (CLN1). Also called: PPT1-Related Neuronal Ceroid-Lipofuscinosis; CEROID LIPOFUSCINOSIS, NEURONAL, 1, VARIABLE AGE AT ONSET. Identifiers: Orphanet 228329, MedGen C1850451, MONDO:0009744, OMIM 256730.
PPT1-related disorder. Also called: PPT1-related condition.

Allele frequency attached by ClinVar (database versions not stated): TOPMed 0.00003; gnomAD exomes 0.00029 and 0.00070; 1000 Genomes Project 30x 0.00047; gnomAD 0.00059 and 0.00061; 1000 Genomes Project 0.00060; ExAC 0.00068.
gnomAD v4.1: 527 of 1,613,098 alleles (0.033%); highest among the groups gnomAD compares: Non-Finnish European, 0.0045%; no homozygotes.

Submissions (17):

Natera, Inc.
Classification: Pathogenic for Neuronal ceroid lipofuscinosis 1. Last evaluated: 2025-12-18. Review status: criteria provided, single submitter. Criteria: Natera Variant Classification Schema (03/2026). Collection method: clinical testing. Allele origin: germline.
Comment: The c.364A>T variant in PPT1 is a missense variant predicted to cause substitution of arginine to tryptophan at amino acid 122. This variant is rare in the general population with a frequency below the threshold expected for the associated phenotype(s). This variant has been observed in one or more individuals affected with the associated recessive disease, as either homozygous or compound heterozygous with a second variant (PMID: 7637805, 9664077). Computational prediction algorithms indicate this variant is likely to affect gene or protein function. Given the available evidence, this variant is classified as Pathogenic.

Labcorp Genetics (formerly Invitae), Labcorp
Classification: Pathogenic for Neuronal ceroid lipofuscinosis 1. Last evaluated: 2025-08-03. Review status: criteria provided, single submitter. Criteria: Invitae Variant Classification Sherloc (09022015). Collection method: clinical testing. Allele origin: germline.
Comment: This sequence change replaces arginine, which is basic and polar, with tryptophan, which is neutral and slightly polar, at codon 122 of the PPT1 protein (p.Arg122Trp). This variant is present in population databases (rs137852695, gnomAD 0.6%), and has an allele count higher than expected for a pathogenic variant. This missense change has been observed in individual(s) with infantile neuronal ceroid lipofuscinosis (INCL) (PMID: 7637805, 9664077, 26795593). It is commonly reported in individuals of Finnish ancestry (PMID: 7637805, 9664077, 19941651, 21990111, 26795593; INCL). ClinVar contains an entry for this variant (Variation ID: 8899). An algorithm developed to predict the effect of missense changes on protein structure and function (PolyPhen-2) suggests that this variant is likely to be disruptive. Experimental studies have shown that this missense change affects PPT1 function (PMID: 7637805, 10781062). For these reasons, this variant has been classified as Pathogenic.

Department of Human Genetics, Hannover Medical School
Classification: Pathogenic for Neuronal ceroid lipofuscinosis 1. Last evaluated: 2025-02-19. Review status: criteria provided, single submitter. Criteria: ACMG Guidelines, 2015. Collection method: clinical testing. Allele origin: germline. Inheritance: Autosomal recessive inheritance. Affected: yes.
Comment: ACMG: PS3_Supporting, PM2_Supporting, PM3_Strong, PP3_Strong, PP4_Strong

Blueprint Genetics
Classification: Pathogenic for PPT1-related disorders. Last evaluated: 2024-11-20. Review status: criteria provided, single submitter. Criteria: ACMG Guidelines, 2015. Collection method: clinical testing. Allele origin: germline. Affected: yes. Observed: 5 variant alleles.

Baylor Genetics
Classification: Pathogenic for Neuronal ceroid lipofuscinosis 1. Last evaluated: 2023-10-16. Review status: criteria provided, single submitter. Criteria: ACMG Guidelines, 2015. Collection method: clinical testing. Allele origin: unknown.

GeneDx
Classification: Pathogenic. Last evaluated: 2022-07-07. Review status: criteria provided, single submitter. Criteria: GeneDx Variant Classification Process June 2021. Collection method: clinical testing. Allele origin: germline. Affected: yes.
Comment: Published functional studies demonstrate a damaging effect resulting in impairment of enzyme activity (Lyly et al., 2007; Vesa et al., 1995); In silico analysis supports that this missense variant has a deleterious effect on protein structure/function; This variant is associated with the following publications: (PMID: 20561933, 22778232, 14997939, 11754099, 26026925, 16759889, 24997880, 16542649, 12069847, 19793631, 26795593, 9664077, 17388982, 10781062, 20346914, 16644870, 19941651, 16930952, 11073228, 25091425, 25865307, 7637805, 25525159, 21228398, 21990111, 28559085, 31980526, 17565660, 33726816)

Revvity Omics, Revvity
Classification: Pathogenic for Neuronal ceroid lipofuscinosis 1. Last evaluated: 2022-06-17. Review status: criteria provided, single submitter. Criteria: ACMG Guidelines, 2015. Collection method: clinical testing. Allele origin: germline.

Fulgent Genetics
Classification: Pathogenic for Neuronal ceroid lipofuscinosis 1. Last evaluated: 2021-09-23. Review status: criteria provided, single submitter. Criteria: ACMG Guidelines, 2015. Collection method: clinical testing. Allele origin: unknown.

Centre for Inherited Metabolic Diseases, Karolinska University Hospital
Classification: Pathogenic for Neuronal ceroid lipofuscinosis 1. Last evaluated: 2021-04-12. Review status: criteria provided, single submitter. Criteria: ACMG Guidelines, 2015. Collection method: clinical testing. Allele origin: germline. Inheritance: Autosomal recessive inheritance. Affected: yes. Observed: 1 compound heterozygote.

Mayo Clinic Laboratories, Mayo Clinic
Classification: Pathogenic. Last evaluated: 2019-12-13. Review status: criteria provided, single submitter. Criteria: ACMG Guidelines, 2015. Collection method: clinical testing. Allele origin: germline. Observed: 1 variant allele.
Comment: PS3, PS4, PM3, PP4, PP5

Myriad Genetics, Inc.
Classification: Pathogenic for Neuronal ceroid lipofuscinosis 1. Last evaluated: 2019-12-09. Review status: criteria provided, single submitter. Criteria: Myriad Women's Health Autosomal Recessive and X-Linked Classification Criteria (2019). Collection method: clinical testing. Allele origin: unknown.
Comment: NM_000310.3(PPT1):c.364A>T(R122W) is classified as pathogenic in the context of PPT1-related neuronal ceroid lipofuscinosis and is associated with the infantile form of this disease. Sources cited for classification include the following: PMID 7637805. Classification of NM_000310.3(PPT1):c.364A>T(R122W) is based on the following criteria: This is a well-established pathogenic variant in the literature that has been observed more frequently in patients with clinical diagnoses than in healthy populations. Please note: this variant was assessed in the context of healthy population screening.

Women's Health and Genetics/Laboratory Corporation of America, LabCorp
Classification: Pathogenic for Neuronal ceroid lipofuscinosis 1. Last evaluated: 2019-05-06. Review status: criteria provided, single submitter. Criteria: LabCorp Variant Classification Summary - May 2015. Collection method: clinical testing. Allele origin: germline.
Comment: Variant summary: PPT1 c.364A>T (p.Arg122Trp) results in a non-conservative amino acid change in the encoded protein sequence. Five of five in-silico tools predict a damaging effect of the variant on protein function. The variant allele was found at a frequency of 0.0007 in 250432 control chromosomes (gnomAD). c.364A>T has been reported in the literature in numerous individuals affected with Neuronal Ceroid-Lipofuscinosis (Batten Disease) and is considered a Finnish founder mutation. The variant has been functionally shown to impact enzyme activity (Vesa_1995). Three clinical diagnostic laboratories have submitted clinical-significance assessments for this variant to ClinVar after 2014 without evidence for independent evaluation. All laboratories classified the variant as pathogenic. Based on the evidence outlined above, the variant was classified as pathogenic.

Ambry Genetics
Classification: Pathogenic for Inborn genetic diseases. Last evaluated: 2016-05-02. Review status: criteria provided, single submitter. Criteria: Ambry Variant Classification Scheme 2023. Collection method: clinical testing. Allele origin: germline.
Comment: The p.R122W pathogenic mutation (also known as c.364A>T), located in coding exon 4 of the PPT1 gene, results from an A to T substitution at nucleotide position 364. The arginine at codon 122 is replaced by tryptophan, an amino acid with dissimilar properties. This pathogenic mutation has been identified in the homozygous state or with another alteration in PPT1 in multiple individuals with infantile neuronal ceroid lipofuscinoses (NCL) and is a founder mutation in the Finnish population (Vesa J et al. Nature. 1995; 376(6541):584-7; Das AK et al. J Clin Invest. 1998; 102(2):361-70; Kousi M et al. Hum Mutat. 2012; 33(1):42-63). Functional studies in patient cells and in vitro studies have found this mutation to result in undetectable enzyme activity and accumulation of the polypeptide in the endoplasmic reticulum (Vesa J et al. Nature. 1995; 376(6541):584-7; Das AK et al. Hum Mol Genet. 2001;10(13):1431-9; Lyly A et al. BMC Cell Biol. 2007; 8:22). In addition, based on structural analysis, this mutation is anticipated to result in a significant decrease in structural stability (Bellizzi JJ et al. Proc Natl Acad Sci USA. 2000; 97(9):4573-8). Based on the supporting evidence, this alteration is interpreted as a disease-causing mutation.

Reproductive Health Research and Development, BGI Genomics
Classification: Pathogenic for Ceroid lipofuscinosis neuronal 1. Last evaluated: 2020-01-06. Review status: no assertion criteria provided. Collection method: curation. Allele origin: germline. Not counted in ClinVar's aggregate classification.
Comment: NM_000310.3:c.364A>T in the PPT1 gene has an allele frequency of 0.006 in European(Finnish) subpopulation in the gnomAD database. Functional studies demonstrate that c.364A>T has impaired enzyme activity(PMID: 7637805). Helbig et al. reported a child with progressive Myoclonus Epilepsy barboring the compound heterozygous of c.364A>T (p.R122W) and c.353G>A (p.G118D) (PMID: 26795593); In addition, Vesa et al. reported that 40 of the 42 Finnish families, whose child were homozygous suffering Ceroid lipofuscinosis neuronal, and parents were heterozygous, suggesting a founder effect in Finnish population (PMID: 7637805); Taken together, we interprete this variant as Pathogenic/Likely pathogenic variant. ACMG/AMP criteria applied: PS4; PS3; PM3; PP4

Clinical Molecular Genetics Laboratory, Johns Hopkins All Children's Hospital
Classification: Pathogenic for Neuronal ceroid lipofuscinosis. Last evaluated: 2011-07-06. Review status: no assertion criteria provided. Collection method: clinical testing. Allele origin: germline. Affected: yes. Not counted in ClinVar's aggregate classification.

OMIM
Classification: Pathogenic for CEROID LIPOFUSCINOSIS, NEURONAL, 1. Last evaluated: 1995-08-17. Review status: no assertion criteria provided. Collection method: literature only. Allele origin: germline. Not counted in ClinVar's aggregate classification.

GeneReviews
No classification provided. Condition: Neuronal ceroid lipofuscinosis 1. Review status: no classification provided. Collection method: literature only. Allele origin: unknown. Not counted in ClinVar's aggregate classification.

Literature cited by the submitters: PubMed 7637805 (cited by 7 submitters); PubMed 9664077 (cited by 5 submitters); PubMed 26795593 (cited by Labcorp Genetics (formerly Invitae), Labcorp and Mayo Clinic Laboratories, Mayo Clinic); PubMed 19941651 (cited by Labcorp Genetics (formerly Invitae), Labcorp and Mayo Clinic Laboratories, Mayo Clinic); PubMed 21990111 (cited by 3 submitters); PubMed 10781062 (cited by Labcorp Genetics (formerly Invitae), Labcorp and Ambry Genetics); PubMed 10191107 (cited by Women's Health and Genetics/Laboratory Corporation of America, LabCorp); PubMed 11440996 (cited by Ambry Genetics); PubMed 17565660 (cited by Ambry Genetics); PubMed 20301601 (cited by GeneReviews); NCBI Bookshelf NBK1428 (cited by GeneReviews).